The following is an entry in ClinVar:

ClinVar aggregate classification (germline): Uncertain significance (1 of 4 stars; one submission).

Conditions:
Glycogen storage disease due to muscle and heart glycogen synthase deficiency. Also called: MUSCLE GLYCOGEN SYNTHASE DEFICIENCY; GSD 0b. Identifiers: Orphanet 137625, MedGen C1969054, MONDO:0012693, OMIM 611556.

Submission:

Labcorp Genetics (formerly Invitae), Labcorp
Classification: Uncertain significance for Glycogen storage disease due to muscle and heart glycogen synthase deficiency. Last evaluated: 2022-07-29. Review status: criteria provided, single submitter. Criteria: Invitae Variant Classification Sherloc (09022015). Collection method: clinical testing. Allele origin: germline.
Comment: This variant has not been reported in the literature in individuals affected with GYS1-related conditions. Algorithms developed to predict the effect of missense changes on protein structure and function are either unavailable or do not agree on the potential impact of this missense change (SIFT: "Deleterious"; PolyPhen-2: "Probably Damaging"; Align-GVGD: "Class C15"). In summary, the available evidence is currently insufficient to determine the role of this variant in disease. Therefore, it has been classified as a Variant of Uncertain Significance. This variant is not present in population databases (gnomAD no frequency). This sequence change replaces glycine, which is neutral and non-polar, with arginine, which is basic and polar, at codon 330 of the GYS1 protein (p.Gly330Arg).

NM_002103.5(GYS1):c.988G>C (p.Gly330Arg)

Gene: GYS1 (glycogen synthase 1; minus strand). Cytogenetic location: 19q13.33.
Variant type: single nucleotide variant.
Coding change: c.988G>C on transcript NM_002103.5 (MANE Select); coding-DNA position 988, G replaced by C.
Protein change: p.Gly330Arg; replaces glycine 330 with arginine.
Molecular consequence: missense variant. On other transcripts: non-coding transcript variant (1).
Genome position (GRCh38, 1-based): chr19:48,982,329, C>G on the plus strand (G>C on the coding strand, the complement: GYS1 is on the minus strand). VCF-style: chr19-48982329-C-G. GRCh37 (hg19) VCF-style: chr19-49485586-C-G.
Other names: c.796G>C, p.Gly266Arg (NM_001161587.2); short protein forms G330R, G266R.
Identifiers: ClinVar variation 2161235 (VCV002161235.4), dbSNP rs772283044, ClinGen allele CA406763405.